The following is an entry in ClinVar:

NM_001197104.2(KMT2A):c.6698_6700delinsTTA (p.Thr2233_Gly2234delinsIleArg)

Gene: KMT2A (lysine methyltransferase 2A; plus strand). Cytogenetic location: 11q23.3.
Variant type: Indel.
Coding change: c.6698_6700delinsTTA on transcript NM_001197104.2 (MANE Select); coding-DNA positions 6698 to 6700, CCG replaced by TTA.
Protein change: p.Thr2233_Gly2234delinsIleArg.
Molecular consequence: missense variant.
Genome position (GRCh38, 1-based): chr11:118,502,590-118,502,592, CCG replaced by TTA. VCF-style: chr11-118502590-CCG-TTA. GRCh37 (hg19) VCF-style: chr11-118373305-CCG-TTA.
Other names: c.6788_6790delinsTTA, p.Thr2263_Gly2264delinsIleArg (NM_001412597.1); c.6689_6691delinsTTA, p.Thr2230_Gly2231delinsIleArg (NM_005933.4).
Identifiers: ClinVar variation 4732340 (VCV004732340.1).

ClinVar aggregate classification (germline): Uncertain significance (1 of 4 stars; one submission).

Submission:

Labcorp Genetics (formerly Invitae), Labcorp
Classification: Uncertain significance. Last evaluated: 2025-12-20. Review status: criteria provided, single submitter. Criteria: Invitae Variant Classification Sherloc (09022015). Collection method: clinical testing. Allele origin: germline.
Comment: This variant, c.6698_6700delinsTTA, is a complex sequence change that results in the deletion of 2 and insertion of 2 amino acid(s) in the KMT2A protein (p.Thr2233_Gly2234delinsIleArg). Information on the frequency of this variant in the gnomAD database is not available, as this variant may be reported differently in the database. This variant has not been reported in the literature in individuals affected with KMT2A-related conditions. Experimental studies and prediction algorithms are not available or were not evaluated, and the functional significance of this variant is currently unknown. In summary, the available evidence is currently insufficient to determine the role of this variant in disease. Therefore, it has been classified as a Variant of Uncertain Significance.